The following is an entry in ClinVar:

NM_018979.4(WNK1):c.5848A>G (p.Thr1950Ala)

Gene: WNK1 (WNK lysine deficient protein kinase 1; plus strand). Cytogenetic location: 12p13.33.
Variant type: single nucleotide variant.
Coding change: c.5848A>G on transcript NM_018979.4 (MANE Select); coding-DNA position 5848, A replaced by G.
Protein change: p.Thr1950Ala; replaces threonine 1950 with alanine.
Molecular consequence: missense variant.
Genome position (GRCh38, 1-based): chr12:896,335, A>G. VCF-style: chr12-896335-A-G. GRCh37 (hg19) VCF-style: chr12-1005501-A-G.
Other names: c.6628A>G, p.Thr2210Ala (NM_001184985.2); c.5104A>G, p.Thr1702Ala (NM_014823.3); c.6604A>G, p.Thr2202Ala (NM_213655.5); short protein forms T1950A, T2202A, T1702A, T2210A.
Identifiers: ClinVar variation 1912504 (VCV001912504.5), dbSNP rs564668247, ClinGen allele CA6383292.

ClinVar aggregate classification (germline): Uncertain significance (1 of 4 stars; one submission).

Conditions:
Pseudohypoaldosteronism type 2C (PHA2C). Also called: Pseudohypoaldosteronism Type IIC. Identifiers: Orphanet 757, Orphanet 88940, MedGen C1840391, MONDO:0013778, OMIM 614492.
Neuropathy, hereditary sensory and autonomic, type 2A (HSAN2A). Also called: ACROOSTEOLYSIS, GIACCAI TYPE; ACROOSTEOLYSIS, NEUROGENIC; MORVAN DISEASE; NEUROPATHY, CONGENITAL SENSORY; NEUROPATHY, HEREDITARY SENSORY RADICULAR, AUTOSOMAL RECESSIVE; HSAN IIA. Identifiers: Orphanet 970, MedGen C2752089, MONDO:0024309, OMIM 201300.

Allele frequency attached by ClinVar (database versions not stated): gnomAD exomes below 0.00001; ExAC 0.00002; TOPMed 0.00002; gnomAD 0.00003; 1000 Genomes Project 30x 0.00016; 1000 Genomes Project 0.00020.
gnomAD v4.1: 10 of 1,614,198 alleles (0.00062%); highest among the groups gnomAD compares: African/African-American, 0.011%; no homozygotes.

Submission:

Labcorp Genetics (formerly Invitae), Labcorp
Classification: Uncertain significance for Neuropathy, hereditary sensory and autonomic, type 2A; Pseudohypoaldosteronism type 2C. Last evaluated: 2023-03-07. Review status: criteria provided, single submitter. Criteria: Invitae Variant Classification Sherloc (09022015). Collection method: clinical testing. Allele origin: germline.
Comment: ClinVar contains an entry for this variant (Variation ID: 1912504). Advanced modeling of protein sequence and biophysical properties (such as structural, functional, and spatial information, amino acid conservation, physicochemical variation, residue mobility, and thermodynamic stability) performed at Invitae indicates that this missense variant is not expected to disrupt WNK1 protein function. In summary, the available evidence is currently insufficient to determine the role of this variant in disease. Therefore, it has been classified as a Variant of Uncertain Significance. This sequence change replaces threonine, which is neutral and polar, with alanine, which is neutral and non-polar, at codon 2202 of the WNK1 protein (p.Thr2202Ala). This variant is present in population databases (rs564668247, gnomAD 0.007%). This variant has not been reported in the literature in individuals affected with WNK1-related conditions.